The following is an entry in ClinVar:

NM_006059.4(LAMC3):c.4052G>A (p.Arg1351Gln)

Gene: LAMC3 (laminin subunit gamma 3; plus strand). Cytogenetic location: 9q34.12.
Variant type: single nucleotide variant.
Coding change: c.4052G>A on transcript NM_006059.4 (MANE Select); coding-DNA position 4052, G replaced by A.
Protein change: p.Arg1351Gln; replaces arginine 1351 with glutamine.
Molecular consequence: missense variant.
Genome position (GRCh38, 1-based): chr9:131,085,545, G>A. VCF-style: chr9-131085545-G-A. GRCh37 (hg19) VCF-style: chr9-133960932-G-A.
Other names: c.4052G>A (NM_006059.3); short protein forms R1351Q.
Identifiers: ClinVar variation 1440334 (VCV001440334.4), dbSNP rs199770640, ClinGen allele CA5288040.

ClinVar aggregate classification (germline): Uncertain significance. Review status: criteria provided, multiple submitters, no conflicts (2 of 4 stars). 3 submissions from 3 submitters: Uncertain significance (3). Last evaluated 2025-04-18.

Conditions:
Inborn genetic diseases. Identifiers: MedGen C0950123, MeSH D030342.

Submissions (3):

Ambry Genetics
Classification: Uncertain significance for Inborn genetic diseases. Last evaluated: 2025-04-18. Review status: criteria provided, single submitter. Criteria: Ambry Variant Classification Scheme 2023. Collection method: clinical testing. Allele origin: germline.

Labcorp Genetics (formerly Invitae), Labcorp
Classification: Uncertain significance. Last evaluated: 2022-10-07. Review status: criteria provided, single submitter. Criteria: Invitae Variant Classification Sherloc (09022015). Collection method: clinical testing. Allele origin: germline.
Comment: This sequence change replaces arginine, which is basic and polar, with glutamine, which is neutral and polar, at codon 1351 of the LAMC3 protein (p.Arg1351Gln). This variant is present in population databases (rs199770640, gnomAD 0.03%). This variant has not been reported in the literature in individuals affected with LAMC3-related conditions. ClinVar contains an entry for this variant (Variation ID: 1440334). Algorithms developed to predict the effect of missense changes on protein structure and function output the following: SIFT: "Tolerated"; PolyPhen-2: "Benign"; Align-GVGD: "Class C0". The glutamine amino acid residue is found in multiple mammalian species, which suggests that this missense change does not adversely affect protein function. In summary, the available evidence is currently insufficient to determine the role of this variant in disease. Therefore, it has been classified as a Variant of Uncertain Significance.

GeneDx
Classification: Uncertain significance. Last evaluated: 2022-07-18. Review status: criteria provided, single submitter. Criteria: GeneDx Variant Classification Process June 2021. Collection method: clinical testing. Allele origin: germline. Affected: yes.
Comment: In silico analysis supports that this missense variant does not alter protein structure/function; Has not been previously published as pathogenic or benign to our knowledge